The following is an entry in ClinVar:

ClinVar aggregate classification (germline): Likely pathogenic (1 of 4 stars; one submission).

Conditions:
Epidermolysis bullosa simplex 5C, with pyloric atresia (EBS5C). Also called: PLEC1-Related Epidermolysis Bullosa with Pyloric Atresia; PLEC-Related Epidermolysis Bullosa with Pyloric Atresia; Epidermolysis bullosa simplex with pyloric atresia. Identifiers: Orphanet 158684, MedGen C2677349, MONDO:0012807, OMIM 612138.
Epidermolysis bullosa simplex with nail dystrophy (EBS5D). Identifiers: MedGen C4225309, MONDO:0014661, OMIM 616487.
Autosomal recessive limb-girdle muscular dystrophy type 2Q (LGMDR17). Also called: MUSCULAR DYSTROPHY, LIMB-GIRDLE, AUTOSOMAL RECESSIVE 17. Identifiers: Orphanet 254361, MedGen C3150989, MONDO:0013390, OMIM 613723.
Epidermolysis bullosa simplex 5B, with muscular dystrophy (EBS5B). Also called: Epidermolysis bullosa simplex with muscular dystrophy; EPIDERMOLYSIS BULLOSA SIMPLEX AND LIMB-GIRDLE MUSCULAR DYSTROPHY. Identifiers: Orphanet 257, MedGen C2931072, MONDO:0009181, OMIM 226670.
Epidermolysis bullosa simplex, Ogna type (EBS5A). Also called: Pidermolysis bullosa simplex 5A, Ogna type; EPIDERMOLYSIS BULLOSA SIMPLEX 5A, OGNA TYPE. Identifiers: Orphanet 79401, MedGen C0432317, MONDO:0007555, OMIM 131950.

Submission:

Labcorp Genetics (formerly Invitae), Labcorp
Classification: Likely pathogenic for Autosomal recessive limb-girdle muscular dystrophy type 2Q; Epidermolysis bullosa simplex, Ogna type; Epidermolysis bullosa simplex with nail dystrophy; Epidermolysis bullosa simplex 5C, with pyloric atresia; Epidermolysis bullosa simplex 5B, with muscular dystrophy. Last evaluated: 2023-10-11. Review status: criteria provided, single submitter. Criteria: Invitae Variant Classification Sherloc (09022015). Collection method: clinical testing. Allele origin: germline.
Comment: This sequence change affects an acceptor splice site in intron 26 of the PLEC gene. It is expected to disrupt RNA splicing. Variants that disrupt the donor or acceptor splice site typically lead to a loss of protein function (PMID: 16199547), and loss-of-function variants in PLEC are known to be pathogenic (PMID: 20301336, 20447487, 21109228, 23289980, 28824526). This variant is not present in population databases (gnomAD no frequency). This variant has not been reported in the literature in individuals affected with PLEC-related conditions. ClinVar contains an entry for this variant (Variation ID: 577780). Algorithms developed to predict the effect of sequence changes on RNA splicing suggest that this variant may disrupt the consensus splice site. In summary, the currently available evidence indicates that the variant is pathogenic, but additional data are needed to prove that conclusively. Therefore, this variant has been classified as Likely Pathogenic.

Literature cited by the submitters: PubMed 16199547; PubMed 20301336; PubMed 20447487; PubMed 21109228; PubMed 23289980; PubMed 28824526.

NM_201384.3(PLEC):c.3261-1G>A

Gene: PLEC (plectin; minus strand). Cytogenetic location: 8q24.3.
Variant type: single nucleotide variant.
Coding change: c.3261-1G>A on transcript NM_201384.3 (MANE Select); the canonical splice acceptor site of the intron before coding-DNA position 3261, G replaced by A.
Molecular consequence: splice acceptor variant.
Genome position (GRCh38, 1-based): chr8:143,927,993, C>T on the plus strand (G>A on the coding strand, the complement: PLEC is on the minus strand). VCF-style: chr8-143927993-C-T. GRCh37 (hg19) VCF-style: chr8-145002161-C-T.
Other names: c.3342-1G>A (NM_001410941.1, NM_000445.5); c.3219-1G>A (NM_201378.4); c.3195-1G>A (NM_201379.3); c.3672-1G>A (NM_201380.4); c.3165-1G>A (NM_201381.3); c.3261-1G>A (NM_201382.4); c.3273-1G>A (NM_201383.3).
Identifiers: ClinVar variation 577780 (VCV000577780.6), dbSNP rs111730406, ClinGen allele CA187618261.
Genomic context (GRCh38, chr8:143,927,993, plus strand): 5'-GCCCTGAGCACCTCCTCGGCCCCCTGCGTGCCGCGGATCACCAGGCTGATGGTCTTGAGC[C>T]TGGCGGGAAAGCGGGGCTCAGGGCCATGACATGGGGCTCGAGCAATAGCCCAAGGGAATG-3'